The following is an entry in ClinVar:

ClinVar aggregate classification (germline): Uncertain significance (1 of 4 stars; one submission).

Allele frequency attached by ClinVar (database versions not stated): gnomAD exomes below 0.00001.
gnomAD v4.1: 2 of 1,604,606 alleles (0.00012%); highest among the groups gnomAD compares: South Asian, 0.0022%; no homozygotes.

Submission:

Labcorp Genetics (formerly Invitae), Labcorp
Classification: Uncertain significance. Last evaluated: 2022-03-18. Review status: criteria provided, single submitter. Criteria: Invitae Variant Classification Sherloc (09022015). Collection method: clinical testing. Allele origin: germline.
Comment: This sequence change replaces aspartic acid, which is acidic and polar, with asparagine, which is neutral and polar, at codon 518 of the GRIN2D protein (p.Asp518Asn). This variant is present in population databases (no rsID available, gnomAD 0.003%). This variant has not been reported in the literature in individuals affected with GRIN2D-related conditions. Advanced modeling of protein sequence and biophysical properties (such as structural, functional, and spatial information, amino acid conservation, physicochemical variation, residue mobility, and thermodynamic stability) performed at Invitae indicates that this missense variant is not expected to disrupt GRIN2D protein function. In summary, the available evidence is currently insufficient to determine the role of this variant in disease. Therefore, it has been classified as a Variant of Uncertain Significance.

NM_000836.4(GRIN2D):c.1552G>A (p.Asp518Asn)

Gene: GRIN2D (glutamate ionotropic receptor NMDA type subunit 2D; plus strand). Cytogenetic location: 19q13.33.
Variant type: single nucleotide variant.
Coding change: c.1552G>A on transcript NM_000836.4 (MANE Select); coding-DNA position 1552, G replaced by A.
Protein change: p.Asp518Asn; replaces aspartic acid 518 with asparagine.
Molecular consequence: missense variant.
Genome position (GRCh38, 1-based): chr19:48,415,003, G>A. VCF-style: chr19-48415003-G-A. GRCh37 (hg19) VCF-style: chr19-48918260-G-A.
Other names: short protein forms D518N.
Identifiers: ClinVar variation 2113622 (VCV002113622.4), dbSNP rs1453671339, ClinGen allele CA406695852.
Genomic context (GRCh38, chr19:48,415,003, plus strand): 5'-ACCATCGGCTTCAGCTACGACCTCTACCTGGTCACCAATGGCAAGCACGGAAAGAAGATC[G>A]ATGGCGTCTGGAACGGCATGATCGGGGAGGTGAGGGGGCGGACGGGAGGCGGGGAATCTT-3'
Protein context (NP_000827.2, residues 508-528): VTNGKHGKKI[Asp518Asn]GVWNGMIGEV